The following is an entry in ClinVar:

NM_000039.3(APOA1):c.127G>A (p.Val43Met)

Genes: APOA1 (apolipoprotein A1; minus strand), APOA1-AS (APOA1 antisense RNA; plus strand). Cytogenetic location: 11q23.3.
Variant type: single nucleotide variant.
Coding change: c.127G>A on transcript NM_000039.3 (MANE Select); coding-DNA position 127, G replaced by A.
Protein change: p.Val43Met; replaces valine 43 with methionine.
Molecular consequence: missense variant.
Genome position (GRCh38, 1-based): chr11:116,837,074, C>T on the plus strand (G>A on the coding strand, the complement: APOA1 is on the minus strand). VCF-style: chr11-116837074-C-T. GRCh37 (hg19) VCF-style: chr11-116707790-C-T.
Other names: c.127G>A, p.Val43Met (NM_001318017.2, NM_001318018.2); c.-201G>A (NM_001318021.2); short protein forms V43M.
Identifiers: ClinVar variation 1501391 (VCV001501391.9), dbSNP rs373545875, ClinGen allele CA6289889.

ClinVar aggregate classification (germline): Uncertain significance. Review status: criteria provided, multiple submitters, no conflicts (2 of 4 stars). 3 submissions from 3 submitters: Uncertain significance (3). Last evaluated 2025-03-25.

Conditions:
Familial visceral amyloidosis, Ostertag type (AMYLD2). Also called: Amyloidosis, hepatic and systemic; Hereditary Renal Amyloidosis; Ostertag type amyloidosis; Familial visceral amyloidosis; AMYLOIDOSIS, HEREDITARY SYSTEMIC 2; AMYLOIDOSIS VIII. Identifiers: Orphanet 85450, MedGen C0268389, MONDO:0007099, OMIM 105200.
Hypoalphalipoproteinemia, primary, 2. Also called: HYPOALPHALIPOPROTEINEMIA, PRIMARY, 2, AUTOSOMAL RECESSIVE; HIGH DENSITY LIPOPROTEIN DEFICIENCY. Identifiers: MedGen C5551172, MONDO:0032766, OMIM 618463.
Hypoalphalipoproteinemia, primary, 2, intermediate. Also called: HYPOALPHALIPOPROTEINEMIA, PRIMARY, 2, AUTOSOMAL DOMINANT. Identifiers: MedGen C5677030, MONDO:0859238, OMIM 619836.
Cardiovascular phenotype. Identifiers: MedGen CN230736.

Allele frequency attached by ClinVar (database versions not stated): gnomAD exomes 0.00002; ExAC 0.00004; ESP Exome Variant Server 0.00008.

Submissions (3):

Labcorp Genetics (formerly Invitae), Labcorp
Classification: Uncertain significance. Last evaluated: 2025-03-25. Review status: criteria provided, single submitter. Criteria: Invitae Variant Classification Sherloc (09022015). Collection method: clinical testing. Allele origin: germline.
Comment: This sequence change replaces valine, which is neutral and non-polar, with methionine, which is neutral and non-polar, at codon 43 of the APOA1 protein (p.Val43Met). This variant is present in population databases (rs373545875, gnomAD 0.01%). This variant has not been reported in the literature in individuals affected with APOA1-related conditions. ClinVar contains an entry for this variant (Variation ID: 1501391). Invitae Evidence Modeling of protein sequence and biophysical properties (such as structural, functional, and spatial information, amino acid conservation, physicochemical variation, residue mobility, and thermodynamic stability) has been performed for this missense variant. However, the output from this modeling did not meet the statistical confidence thresholds required to predict the impact of this variant on APOA1 protein function. In summary, the available evidence is currently insufficient to determine the role of this variant in disease. Therefore, it has been classified as a Variant of Uncertain Significance.

Ambry Genetics
Classification: Uncertain significance for Cardiovascular phenotype. Last evaluated: 2023-06-08. Review status: criteria provided, single submitter. Criteria: Ambry Variant Classification Scheme 2023. Collection method: clinical testing. Allele origin: germline.

Fulgent Genetics
Classification: Uncertain significance for Familial visceral amyloidosis, Ostertag type; Hypoalphalipoproteinemia, primary, 2; Hypoalphalipoproteinemia, primary, 2, intermediate. Last evaluated: 2022-03-22. Review status: criteria provided, single submitter. Criteria: ACMG Guidelines, 2015. Collection method: clinical testing. Allele origin: unknown.